The following is an entry in ClinVar:

GRCh37/hg19 17q12(chr17:34425363-36404555)x3

Genes: AATF (apoptosis antagonizing transcription factor; plus strand), ACACA (acetyl-CoA carboxylase alpha; minus strand), C17orf78 (chromosome 17 open reading frame 78; plus strand), CCL3L1 (C-C motif chemokine ligand 3 like 1; minus strand), CCL3L3 (C-C motif chemokine ligand 3 like 3; minus strand) and 20 more. Cytogenetic location: 17q12.
Variant type: copy number gain.
Change: copy number 3 (three copies instead of two) of chr17:34,425,363-36,404,555 (1.98 Mb, GRCh37 coordinates, 1-based), cytogenetic band 17q12.
Identifiers: ClinVar variation 1807768 (VCV001807768.1).

ClinVar aggregate classification (germline): Pathogenic (1 of 4 stars; one submission).

Submission:

Quest Diagnostics Nichols Institute San Juan Capistrano
Classification: Pathogenic. Last evaluated: 2021-09-17. Review status: criteria provided, single submitter. Criteria: ACMG/ClinGen CNV Guidelines, 2019. Collection method: clinical testing. Allele origin: unknown.
Comment: The 17q12 copy number gain involves multiple genes, and is consistent with the 17q12 duplication syndrome (OMIM 614526). The common clinical features of the 17q12 recurrent duplication are variable ranging from normal to severe intellectual disability, epilepsy, and other clinical manifestations. Speech delay is common, and most affected individuals have some degree of gross motor delay. Seizures are present in 75%. Up to one third have eye or vision problems; cardiac and renal anomalies occur in rare cases. Other neurodevelopmental and psychiatric conditions reported in a subset of affected individuals are autism spectrum disorder, schizophrenia, and behavioral abnormalities (aggression and self-injury). The 17q12 recurrent duplication likely has reduced penetrance and variable expressivity since it is inherited in most instances from a parent who is often minimally affected or phenotypically normal (GeneReviews).